The following is an entry in ClinVar:

NM_001042683.3(SHPRH):c.291A>G (p.Val97=)

Gene: SHPRH (SNF2 histone linker PHD RING helicase; minus strand). Cytogenetic location: 6q24.3.
Variant type: single nucleotide variant.
Coding change: c.291A>G on transcript NM_001042683.3 (MANE Select); coding-DNA position 291, A replaced by G.
Protein change: p.Val97=; no amino-acid change (valine 97 retained).
Molecular consequence: synonymous variant. On other transcripts: intron variant (1).
Genome position (GRCh38, 1-based): chr6:145,955,032, T>C on the plus strand (A>G on the coding strand, the complement: SHPRH is on the minus strand). VCF-style: chr6-145955032-T-C. GRCh37 (hg19) VCF-style: chr6-146276168-T-C.
Other names: c.291A>G, p.Val97= (NM_001370327.1, NM_173082.4); c.-892+155A>G (NM_001370328.1).
Identifiers: ClinVar variation 2656968 (VCV002656968.24), dbSNP rs199803327, ClinGen allele CA4036905.

ClinVar aggregate classification (germline): Likely benign (1 of 4 stars; one submission).

Allele frequency attached by ClinVar (database versions not stated): gnomAD 0.00024; ExAC 0.00025; TOPMed 0.00028; gnomAD exomes 0.00038; ESP Exome Variant Server 0.00060.
gnomAD v4.1: 587 of 1,613,250 alleles (0.036%); highest among the groups gnomAD compares: Non-Finnish European, 0.046%; 2 homozygotes.

Submission:

CeGaT Center for Human Genetics Tuebingen
Classification: Likely benign. Last evaluated: 2022-11-01. Review status: criteria provided, single submitter. Criteria: CeGaT Center For Human Genetics Tuebingen Variant Classification Criteria Version 2. Collection method: clinical testing. Allele origin: germline. Affected: yes. Observed: 1 variant allele.
Comment: SHPRH: BP4, BP7